The following is an entry in ClinVar:

ClinVar aggregate classification (germline): Uncertain significance. Review status: criteria provided, multiple submitters, no conflicts (2 of 4 stars). 6 submissions from 6 submitters: Uncertain significance (5). 1 of the submissions does not count toward it. Last evaluated 2025-09-30.

Conditions:
TRIM32-related disorder. Also called: TRIM32-related condition.
Retinal dystrophy. Also called: Inherited retinal dystrophy. Identifiers: Orphanet 71862, MedGen C0854723, MeSH D058499, MONDO:0019118, HP:0000556.
Bardet-Biedl syndrome (BBS). Identifiers: Orphanet 110, MedGen C0752166, MONDO:0015229.

Allele frequency attached by ClinVar (database versions not stated): gnomAD exomes below 0.00001 and 0.00001; gnomAD 0.00001; TOPMed 0.00003.
gnomAD v4.1: 11 of 1,614,060 alleles (0.00068%); highest among the groups gnomAD compares: South Asian, 0.0011%; no homozygotes.

Submissions (6):

PreventionGenetics, part of Exact Sciences
Classification: Uncertain significance for TRIM32-related condition. Last evaluated: 2025-09-30. Review status: criteria provided, single submitter. Criteria: ACMG Guidelines, 2015. Collection method: clinical testing. Allele origin: germline.
Comment: The TRIM32 c.1162G>A variant is predicted to result in the amino acid substitution p.Ala388Thr. To our knowledge, this variant has not been reported in the literature. This variant is reported in 0.00088% of alleles in individuals of European (Non-Finnish) descent in gnomAD. At this time, the clinical significance of this variant is uncertain due to the absence of conclusive functional and genetic evidence.

Revvity Omics, Revvity
Classification: Uncertain significance. Last evaluated: 2025-02-13. Review status: criteria provided, single submitter. Criteria: ACMG Guidelines, 2015. Collection method: clinical testing. Allele origin: germline.

Labcorp Genetics (formerly Invitae), Labcorp
Classification: Uncertain significance for Bardet-Biedl syndrome. Last evaluated: 2022-08-22. Review status: criteria provided, single submitter. Criteria: Invitae Variant Classification Sherloc (09022015). Collection method: clinical testing. Allele origin: germline.
Comment: This sequence change replaces alanine, which is neutral and non-polar, with threonine, which is neutral and polar, at codon 388 of the TRIM32 protein (p.Ala388Thr). This variant is present in population databases (no rsID available, gnomAD 0.0009%). This variant has not been reported in the literature in individuals affected with TRIM32-related conditions. ClinVar contains an entry for this variant (Variation ID: 282157). Algorithms developed to predict the effect of missense changes on protein structure and function (SIFT, PolyPhen-2, Align-GVGD) all suggest that this variant is likely to be disruptive. In summary, the available evidence is currently insufficient to determine the role of this variant in disease. Therefore, it has been classified as a Variant of Uncertain Significance.

Blueprint Genetics
Classification: Uncertain significance. Last evaluated: 2022-08-08. Review status: criteria provided, single submitter. Criteria: ACMG Guidelines, 2015. Collection method: clinical testing. Allele origin: germline.

Eurofins Ntd Llc (ga)
Classification: Uncertain significance. Last evaluated: 2015-07-28. Review status: criteria provided, single submitter. Criteria: EGL Classification Definitions 2015. Collection method: clinical testing. Allele origin: germline. Observed: 3 variant alleles, 3 heterozygotes.

Institute of Human Genetics, Univ. Regensburg, Univ. Regensburg
Classification: Uncertain significance for Retinal dystrophy. Last evaluated: 2023-01-01. Review status: no assertion criteria provided. Criteria: ACMG Guidelines, 2015. Collection method: clinical testing. Allele origin: germline. Affected: yes. Not counted in ClinVar's aggregate classification.

NM_012210.4(TRIM32):c.1162G>A (p.Ala388Thr)

Genes: ASTN2 (astrotactin 2; minus strand), TRIM32 (tripartite motif containing 32; plus strand). Cytogenetic location: 9q33.1.
Variant type: single nucleotide variant.
Coding change: c.1162G>A on transcript NM_012210.4 (MANE Select); coding-DNA position 1162, G replaced by A.
Protein change: p.Ala388Thr; replaces alanine 388 with threonine.
Molecular consequence: missense variant. On other transcripts: intron variant (3).
Genome position (GRCh38, 1-based): chr9:116,698,904, G>A. VCF-style: chr9-116698904-G-A. GRCh37 (hg19) VCF-style: chr9-119461183-G-A.
Other names: c.1162G>A, p.Ala388Thr (NM_001099679.2, NM_001379048.1, NM_001379049.1 and 1 more transcripts); c.2653+26867C>T (NM_014010.5); c.2794+26867C>T (NM_001365069.1); c.2806+26867C>T (NM_001365068.1); short protein forms A388T.
Identifiers: ClinVar variation 282157 (VCV000282157.17), dbSNP rs886042328, ClinGen allele CA10604087.
Genomic context (GRCh38, chr9:116,698,904, plus strand): 5'-CCAGGAATGTTCAATCTTCCAGTCAGTCTCTACGTGACCAGTCAAGGTGAAGTACTAGTC[G>A]CTGACCGTGGTAACTATCGTATACAAGTCTTTACCCGCAAAGGCTTTTTGAAGGAAATCC-3'
Protein context (NP_036342.2, residues 378-398): YVTSQGEVLV[Ala388Thr]DRGNYRIQVF